The following is an entry in ClinVar:

ClinVar aggregate classification (germline): Uncertain significance (1 of 4 stars; one submission).

Conditions:
Catecholaminergic polymorphic ventricular tachycardia 1. Also called: VENTRICULAR TACHYCARDIA, STRESS-INDUCED POLYMORPHIC 1; RYR2-Related Catecholaminergic Polymorphic Ventricular Tachycardia; VENTRICULAR TACHYCARDIA, CATECHOLAMINERGIC POLYMORPHIC, 1, WITH OR WITHOUT ATRIAL DYSFUNCTION AND/OR DILATED CARDIOMYOPATHY. Identifiers: Orphanet 3286, MedGen C1631597, MONDO:0011484, OMIM 604772.

gnomAD v4.1: 1 of 1,613,966 alleles (0.000062%); highest among the groups gnomAD compares: Non-Finnish European, 0.000085%; no homozygotes.

Submission:

Labcorp Genetics (formerly Invitae), Labcorp
Classification: Uncertain significance for Catecholaminergic polymorphic ventricular tachycardia 1. Last evaluated: 2025-03-09. Review status: criteria provided, single submitter. Criteria: Invitae Variant Classification Sherloc (09022015). Collection method: clinical testing. Allele origin: germline.
Comment: This sequence change replaces isoleucine, which is neutral and non-polar, with threonine, which is neutral and polar, at codon 2438 of the RYR2 protein (p.Ile2438Thr). This variant is not present in population databases (gnomAD no frequency). This variant has not been reported in the literature in individuals affected with RYR2-related conditions. Invitae Evidence Modeling of protein sequence and biophysical properties (such as structural, functional, and spatial information, amino acid conservation, physicochemical variation, residue mobility, and thermodynamic stability) indicates that this missense variant is expected to disrupt RYR2 protein function with a positive predictive value of 95%. In summary, the available evidence is currently insufficient to determine the role of this variant in disease. Therefore, it has been classified as a Variant of Uncertain Significance.

NM_001035.3(RYR2):c.7313T>C (p.Ile2438Thr)

Gene: RYR2 (ryanodine receptor 2; plus strand). Cytogenetic location: 1q43.
Variant type: single nucleotide variant.
Coding change: c.7313T>C on transcript NM_001035.3 (MANE Select); coding-DNA position 7313, T replaced by C.
Protein change: p.Ile2438Thr; replaces isoleucine 2438 with threonine.
Molecular consequence: missense variant.
Genome position (GRCh38, 1-based): chr1:237,643,418, T>C. VCF-style: chr1-237643418-T-C. GRCh37 (hg19) VCF-style: chr1-237806718-T-C.
Other names: short protein forms I2438T.
Identifiers: ClinVar variation 4800087 (VCV004800087.1).